The following is an entry in ClinVar:

ClinVar aggregate classification (germline): Uncertain significance. Review status: criteria provided, multiple submitters, no conflicts (2 of 4 stars). 2 submissions from 2 submitters: Uncertain significance (2). Last evaluated 2026-07-21.

Conditions:
Familial thoracic aortic aneurysm and aortic dissection (TAAD). Also called: Thoracic aortic aneurysms and dissections. Identifiers: Orphanet 91387, MedGen C4707243, MONDO:0019625.

Allele frequency attached by ClinVar (database versions not stated): gnomAD exomes below 0.00001.
gnomAD v4.1: 2 of 1,614,220 alleles (0.00012%); highest among the groups gnomAD compares: Non-Finnish European, 0.00017%; no homozygotes.

Submissions (2):

Ambry Genetics
Classification: Uncertain significance for Familial thoracic aortic aneurysm and aortic dissection. Last evaluated: 2026-07-21. Review status: criteria provided, single submitter. Criteria: Ambry Variant Classification Scheme 2023. Collection method: clinical testing. Allele origin: germline.
Comment: The p.P2658L variant (also known as c.7973C>T), located in coding exon 63 of the FBN1 gene, results from a C to T substitution at nucleotide position 7973. The proline at codon 2658 is replaced by leucine, an amino acid with similar properties. This amino acid position is conserved. In addition, this alteration is predicted to be deleterious by in silico analysis. Based on the available evidence, the clinical significance of this variant remains unclear.

Color Diagnostics, LLC DBA Color Health
Classification: Uncertain significance for Familial thoracic aortic aneurysm and aortic dissection. Last evaluated: 2024-03-06. Review status: criteria provided, single submitter. Criteria: ACMG Guidelines, 2015. Collection method: clinical testing. Allele origin: germline.
Comment: This missense variant replaces proline with leucine at codon 2658 of the FBN1 protein. Computational prediction is inconclusive regarding the impact of this variant on protein structure and function (internally defined REVEL score threshold 0.5 < inconclusive < 0.7, PMID: 27666373). To our knowledge, functional studies have not been reported for this variant. This variant has not been reported in individuals affected with cardiovascular disorders in the literature. This variant has been identified in 1/251030 chromosomes in the general population by the Genome Aggregation Database (gnomAD). The available evidence is insufficient to determine the role of this variant in disease conclusively. Therefore, this variant is classified as a Variant of Uncertain Significance.

NM_000138.5(FBN1):c.7973C>T (p.Pro2658Leu)

Gene: FBN1 (fibrillin 1; minus strand). Cytogenetic location: 15q21.1.
Variant type: single nucleotide variant.
Coding change: c.7973C>T on transcript NM_000138.5 (MANE Select); coding-DNA position 7973, C replaced by T.
Protein change: p.Pro2658Leu; replaces proline 2658 with leucine.
Molecular consequence: missense variant.
Genome position (GRCh38, 1-based): chr15:48,415,614, G>A on the plus strand (C>T on the coding strand, the complement: FBN1 is on the minus strand). VCF-style: chr15-48415614-G-A. GRCh37 (hg19) VCF-style: chr15-48707811-G-A.
Other names: short protein forms P2658L.
Identifiers: ClinVar variation 1172377 (VCV001172377.4), dbSNP rs1348007486, ClinGen allele CA392322861.